The following is an entry in ClinVar:

ClinVar aggregate classification (germline): Uncertain significance. Review status: criteria provided, multiple submitters, no conflicts (2 of 4 stars). 4 submissions from 4 submitters: Uncertain significance (4). Last evaluated 2025-09-11.

Conditions:
Age related macular degeneration 1 (ARMD1). Also called: MACULOPATHY, AGE-RELATED, 1. Identifiers: MedGen C1864205, MONDO:0011285, OMIM 603075.

Allele frequency attached by ClinVar (database versions not stated): ExAC 0.00002; gnomAD exomes 0.00005 and 0.00019; TOPMed 0.00011; gnomAD 0.00012 and 0.00015.

Submissions (4):

Ambry Genetics
Classification: Uncertain significance. Last evaluated: 2025-09-11. Review status: criteria provided, single submitter. Criteria: Ambry Variant Classification Scheme 2023. Collection method: clinical testing. Allele origin: germline.

Labcorp Genetics (formerly Invitae), Labcorp
Classification: Uncertain significance. Last evaluated: 2025-03-27. Review status: criteria provided, single submitter. Criteria: Invitae Variant Classification Sherloc (09022015). Collection method: clinical testing. Allele origin: germline.
Comment: This sequence change replaces methionine, which is neutral and non-polar, with valine, which is neutral and non-polar, at codon 1135 of the HMCN1 protein (p.Met1135Val). This variant is present in population databases (rs781513060, gnomAD 0.01%). This variant has not been reported in the literature in individuals affected with HMCN1-related conditions. ClinVar contains an entry for this variant (Variation ID: 875500). An algorithm developed to predict the effect of missense changes on protein structure and function (PolyPhen-2) suggests that this variant is likely to be disruptive. In summary, the available evidence is currently insufficient to determine the role of this variant in disease. Therefore, it has been classified as a Variant of Uncertain Significance.

Genome-Nilou Lab
Classification: Uncertain significance for Age related macular degeneration 1. Last evaluated: 2023-04-11. Review status: criteria provided, single submitter. Criteria: ACMG Guidelines, 2015. Collection method: clinical testing. Allele origin: germline. Affected: no.

Illumina Laboratory Services, Illumina
Classification: Uncertain significance for Age related macular degeneration 1. Last evaluated: 2018-01-13. Review status: criteria provided, single submitter. Criteria: ICSL Variant Classification Criteria 13 December 2019. Collection method: clinical testing. Allele origin: germline.

NM_031935.3(HMCN1):c.3403A>G (p.Met1135Val)

Gene: HMCN1 (hemicentin 1; plus strand). Cytogenetic location: 1q31.1.
Variant type: single nucleotide variant.
Coding change: c.3403A>G on transcript NM_031935.3 (MANE Select); coding-DNA position 3403, A replaced by G.
Protein change: p.Met1135Val; replaces methionine 1135 with valine.
Molecular consequence: missense variant.
Genome position (GRCh38, 1-based): chr1:185,993,207, A>G. VCF-style: chr1-185993207-A-G. GRCh37 (hg19) VCF-style: chr1-185962339-A-G.
Other names: short protein forms M1135V.
Identifiers: ClinVar variation 875500 (VCV000875500.12), dbSNP rs781513060, ClinGen allele CA1291712.